The following is an entry in ClinVar:

ClinVar aggregate classification (germline): Uncertain significance (1 of 4 stars; one submission).

Submission:

GeneDx
Classification: Uncertain significance. Last evaluated: 2023-03-16. Review status: criteria provided, single submitter. Criteria: GeneDx Variant Classification Process June 2021. Collection method: clinical testing. Allele origin: germline. Affected: yes.
Comment: Not observed at significant frequency in large population cohorts (gnomAD); In silico analysis supports that this missense variant does not alter protein structure/function; Has not been previously published as pathogenic or benign to our knowledge

NM_000944.5(PPP3CA):c.1171G>T (p.Ala391Ser)

Gene: PPP3CA (protein phosphatase 3 catalytic subunit alpha; minus strand). Cytogenetic location: 4q24.
Variant type: single nucleotide variant.
Coding change: c.1171G>T on transcript NM_000944.5 (MANE Select); coding-DNA position 1171, G replaced by T.
Protein change: p.Ala391Ser; replaces alanine 391 with serine.
Molecular consequence: missense variant.
Genome position (GRCh38, 1-based): chr4:101,040,552, C>A on the plus strand (G>T on the coding strand, the complement: PPP3CA is on the minus strand). VCF-style: chr4-101040552-C-A. GRCh37 (hg19) VCF-style: chr4-101961709-C-A.
Other names: c.1171G>T, p.Ala391Ser (NM_001130691.2); c.1045G>T, p.Ala349Ser (NM_001130692.2); short protein forms A349S, A391S.
Identifiers: ClinVar variation 2579902 (VCV002579902.1), dbSNP rs2476224529, ClinGen allele CA357948334.